The following is an entry in ClinVar:

ClinVar aggregate classification (germline): Pathogenic (1 of 4 stars; one submission).

Conditions:
Cardiovascular phenotype. Identifiers: MedGen CN230736.
Hereditary cancer-predisposing syndrome. Also called: Hereditary Cancer Syndrome; Hereditary neoplastic syndrome; Neoplastic Syndromes, Hereditary; Tumor predisposition. Identifiers: Orphanet 140162, MedGen C0027672, MeSH D009386, MONDO:0015356.

Submission:

Ambry Genetics
Classification: Pathogenic for Cardiovascular phenotype; Hereditary cancer-predisposing syndrome. Last evaluated: 2022-01-03. Review status: criteria provided, single submitter. Criteria: Ambry Variant Classification Scheme 2023. Collection method: clinical testing. Allele origin: germline.
Comment: The c.5554delG pathogenic mutation, located in coding exon 38 of the NF1 gene, results from a deletion of one nucleotide at nucleotide position 5554, causing a translational frameshift with a predicted alternate stop codon (p.A1852Pfs*8). This variant is considered to be rare based on population cohorts in the Genome Aggregation Database (gnomAD). This alteration is expected to result in loss of function by premature protein truncation or nonsense-mediated mRNA decay. As such, this alteration is interpreted as a disease-causing mutation.

NM_001042492.3(NF1):c.5617del (p.Ala1873fs)

Gene: NF1 (neurofibromin 1; plus strand). Cytogenetic location: 17q11.2.
Variant type: Deletion.
Coding change: c.5617del on transcript NM_001042492.3 (MANE Select); coding-DNA position 5617, one base deleted (G; older notation c.5617delG).
Protein change: p.Ala1873fs; shifts the reading frame from alanine 1873.
Molecular consequence: frameshift variant.
Genome position (GRCh38, 1-based): chr17:31,330,303, G deleted. VCF-style (leftmost placement, unchanged base first): chr17-31330302-TG-T. GRCh37 (hg19) VCF-style: chr17-29657320-TG-T.
Other names: c.5554delG (NM_000267.3); c.5554delG, p.Ala1852Profs (NM_000267.4); short protein forms A1873fs, A1852fs.
Identifiers: ClinVar variation 1748253 (VCV001748253.2), dbSNP rs2508717584, ClinGen allele CA2580093357.